The following is an entry in ClinVar:

ClinVar aggregate classification (germline): Benign/Likely benign. Review status: criteria provided, multiple submitters, no conflicts (2 of 4 stars). 5 submissions from 5 submitters: Benign (1); Likely benign (4). Last evaluated 2026-05-15.

Conditions:
Neurofibromatosis, type 1 (NF1). Also called: NEUROFIBROMATOSIS, TYPE I, SOMATIC; Peripheral type neurofibromatosis; Neurofibromatosis, type I; VON RECKLINGHAUSEN DISEASE. Identifiers: Orphanet 636, MedGen C0027831, MONDO:0018975, OMIM 162200. Disease mechanism: loss of function.
Hereditary cancer-predisposing syndrome. Also called: Tumor predisposition; Hereditary Cancer Syndrome; Neoplastic Syndromes, Hereditary; Hereditary neoplastic syndrome. Identifiers: Orphanet 140162, MedGen C0027672, MeSH D009386, MONDO:0015356.

Allele frequency attached by ClinVar (database versions not stated): gnomAD exomes below 0.00001.
gnomAD v4.1: 2 of 1,613,722 alleles (0.00012%); highest among the groups gnomAD compares: Non-Finnish European, 0.00017%; no homozygotes.

Submissions (5):

Myriad Genetics, Inc.
Classification: Benign for Neurofibromatosis, type 1. Last evaluated: 2026-05-15. Review status: criteria provided, single submitter. Criteria: Myriad Autosomal Dominant, Autosomal Recessive and X-Linked Classification Criteria (2023). Collection method: clinical testing. Allele origin: unknown.
Comment: This variant is considered benign. This variant is a silent/synonymous amino acid change and it is not expected to impact splicing.

Labcorp Genetics (formerly Invitae), Labcorp
Classification: Likely benign for Neurofibromatosis, type 1. Last evaluated: 2025-12-14. Review status: criteria provided, single submitter. Criteria: Invitae Variant Classification Sherloc (09022015). Collection method: clinical testing. Allele origin: germline.

Blueprint Genetics
Classification: Likely benign. Last evaluated: 2022-08-10. Review status: criteria provided, single submitter. Criteria: ACMG Guidelines, 2015. Collection method: clinical testing. Allele origin: germline.

Genome-Nilou Lab
Classification: Likely benign for Neurofibromatosis, type 1. Last evaluated: 2022-03-15. Review status: criteria provided, single submitter. Criteria: ACMG Guidelines, 2015. Collection method: clinical testing. Allele origin: germline. Affected: no.

Ambry Genetics
Classification: Likely benign for Hereditary cancer-predisposing syndrome. Last evaluated: 2016-01-17. Review status: criteria provided, single submitter. Criteria: Ambry Autosomal Dominant and X-Linked criteria (10/2015). Collection method: clinical testing. Allele origin: germline. Observed: 1 variant allele.
Comment: Synonymous alterations with insufficient evidence to classify as benign

NM_001042492.3(NF1):c.1266A>G (p.Ala422=)

Gene: NF1 (neurofibromin 1; plus strand). Cytogenetic location: 17q11.2.
Variant type: single nucleotide variant.
Coding change: c.1266A>G on transcript NM_001042492.3 (MANE Select); coding-DNA position 1266, A replaced by G.
Protein change: p.Ala422=; no amino-acid change (alanine 422 retained).
Molecular consequence: synonymous variant.
Genome position (GRCh38, 1-based): chr17:31,206,245, A>G. VCF-style: chr17-31206245-A-G. GRCh37 (hg19) VCF-style: chr17-29533263-A-G.
Other names: c.1266A>G, p.Ala422= (NM_000267.4, NM_001128147.3).
Identifiers: ClinVar variation 480085 (VCV000480085.12), dbSNP rs1555611565, ClinGen allele CA499222181.